The following is an entry in ClinVar:

ClinVar aggregate classification (germline): Conflicting classifications of pathogenicity. Review status: criteria provided, conflicting classifications (1 of 4 stars). 4 submissions from 4 submitters: Uncertain significance (3); Benign (1). Last evaluated 2024-09-05.

Conditions:
Cardiovascular phenotype. Identifiers: MedGen CN230736.
Hereditary cancer-predisposing syndrome. Also called: Hereditary neoplastic syndrome; Neoplastic Syndromes, Hereditary; Tumor predisposition; Hereditary Cancer Syndrome. Identifiers: Orphanet 140162, MedGen C0027672, MeSH D009386, MONDO:0015356.
Neurofibromatosis, type 1 (NF1). Also called: VON RECKLINGHAUSEN DISEASE; Peripheral type neurofibromatosis; NEUROFIBROMATOSIS, TYPE I, SOMATIC; Neurofibromatosis, type I. Identifiers: Orphanet 636, MedGen C0027831, MONDO:0018975, OMIM 162200. Disease mechanism: loss of function.

Allele frequency attached by ClinVar (database versions not stated): gnomAD exomes below 0.00001.
gnomAD v4.1: 3 of 1,613,708 alleles (0.00019%); highest among the groups gnomAD compares: East Asian, 0.0022%; no homozygotes.

Submissions (4):

Labcorp Genetics (formerly Invitae), Labcorp
Classification: Benign for Neurofibromatosis, type 1. Last evaluated: 2024-09-05. Review status: criteria provided, single submitter. Criteria: Invitae Variant Classification Sherloc (09022015). Collection method: clinical testing. Allele origin: germline.

GeneDx
Classification: Uncertain significance. Last evaluated: 2023-08-27. Review status: criteria provided, single submitter. Criteria: GeneDx Variant Classification Process June 2021. Collection method: clinical testing. Allele origin: germline. Affected: yes.
Comment: In silico analysis supports that this missense variant does not alter protein structure/function; Has not been previously published as pathogenic or benign to our knowledge; This variant is associated with the following publications: (PMID: 25486365)

Genome-Nilou Lab
Classification: Uncertain significance for Neurofibromatosis, type 1. Last evaluated: 2022-03-15. Review status: criteria provided, single submitter. Criteria: ACMG Guidelines, 2015. Collection method: clinical testing. Allele origin: germline. Affected: no.

Ambry Genetics
Classification: Uncertain significance for Cardiovascular phenotype; Hereditary cancer-predisposing syndrome. Last evaluated: 2019-07-17. Review status: criteria provided, single submitter. Criteria: Ambry Variant Classification Scheme 2023. Collection method: clinical testing. Allele origin: germline.
Comment: The p.A797V variant (also known as c.2390C>T), located in coding exon 20 of the NF1 gene, results from a C to T substitution at nucleotide position 2390. The alanine at codon 797 is replaced by valine, an amino acid with similar properties. This amino acid position is not well conserved in available vertebrate species. In addition, this alteration is predicted to be tolerated by in silico analysis. Since supporting evidence is limited at this time, the clinical significance of this alteration remains unclear.

NM_001042492.3(NF1):c.2390C>T (p.Ala797Val)

Gene: NF1 (neurofibromin 1; plus strand). Cytogenetic location: 17q11.2.
Variant type: single nucleotide variant.
Coding change: c.2390C>T on transcript NM_001042492.3 (MANE Select); coding-DNA position 2390, C replaced by T.
Protein change: p.Ala797Val; replaces alanine 797 with valine.
Molecular consequence: missense variant.
Genome position (GRCh38, 1-based): chr17:31,227,587, C>T. VCF-style: chr17-31227587-C-T. GRCh37 (hg19) VCF-style: chr17-29554605-C-T.
Other names: c.2390C>T, p.Ala797Val (NM_000267.4); short protein forms A797V.
Identifiers: ClinVar variation 481943 (VCV000481943.16), dbSNP rs1181350360, ClinGen allele CA398983257.